The following is an entry in ClinVar:

NM_001040108.2(MLH3):c.4351G>A (p.Glu1451Lys)

Gene: MLH3 (mutL homolog 3; minus strand). Cytogenetic location: 14q24.3.
Variant type: single nucleotide variant.
Coding change: c.4351G>A on transcript NM_001040108.2 (MANE Select); coding-DNA position 4351, G replaced by A.
Protein change: p.Glu1451Lys; replaces glutamic acid 1451 with lysine.
Molecular consequence: missense variant.
Genome position (GRCh38, 1-based): chr14:75,017,093, C>T on the plus strand (G>A on the coding strand, the complement: MLH3 is on the minus strand). VCF-style: chr14-75017093-C-T. GRCh37 (hg19) VCF-style: chr14-75483796-C-T.
Other names: c.4279G>A, p.Glu1427Lys (NM_014381.3); short protein forms E1451K, E1427K.
Identifiers: ClinVar variation 5562 (VCV000005562.35), dbSNP rs28939071, ClinGen allele CA117597.

ClinVar aggregate classification (germline): Conflicting classifications of pathogenicity. Review status: criteria provided, conflicting classifications (1 of 4 stars). 8 submissions from 8 submitters: Uncertain significance (1); Benign (1); Likely benign (4). 2 of the submissions do not count toward it. Last evaluated 2026-02-03.

Conditions:
Colorectal cancer. Also called: Colorectal cancer, somatic; Malignant Colorectal Neoplasm. Identifiers: MedGen C0346629, MONDO:0005575, OMIM 114500.
Colorectal cancer, hereditary nonpolyposis, type 7. Identifiers: Orphanet 144, MedGen C1858380, MONDO:0013725, OMIM 614385.
Endometrial carcinoma. Also called: Endometrial carcinoma, somatic. Identifiers: MedGen C0476089, MONDO:0002447, OMIM 608089, HP:0012114.

Allele frequency attached by ClinVar (database versions not stated): 1000 Genomes Project 0.00040; 1000 Genomes Project 30x 0.00047; gnomAD exomes 0.00071 and 0.00130; ExAC 0.00074; TOPMed 0.00080; gnomAD 0.00103 and 0.00104.
gnomAD v4.1: 2,033 of 1,613,628 alleles (0.13%); highest among the groups gnomAD compares: Non-Finnish European, 0.16%; no homozygotes.

Submissions (8):

Labcorp Genetics (formerly Invitae), Labcorp
Classification: Benign for Colorectal cancer, hereditary nonpolyposis, type 7. Last evaluated: 2026-02-03. Review status: criteria provided, single submitter. Criteria: Invitae Variant Classification Sherloc (09022015). Collection method: clinical testing. Allele origin: germline.

Center for Genomic Medicine, Rigshospitalet, Copenhagen University Hospital
Classification: Likely benign. Last evaluated: 2025-03-04. Review status: criteria provided, single submitter. Criteria: ACMG Guidelines, 2015. Collection method: clinical testing. Allele origin: germline.

Department of Pathology and Laboratory Medicine, Sinai Health System
Classification: Likely benign for Colorectal cancer; Endometrial carcinoma; Colorectal cancer, hereditary nonpolyposis, type 7. Last evaluated: 2024-03-22. Review status: criteria provided, single submitter. Criteria: ACMG Guidelines, 2015. Collection method: clinical testing. Allele origin: germline. Affected: yes.

ARUP Laboratories, Molecular Genetics and Genomics, ARUP Laboratories
Classification: Likely benign. Last evaluated: 2023-08-18. Review status: criteria provided, single submitter. Criteria: ARUP Molecular Germline Variant Investigation Process 2024. Collection method: clinical testing. Allele origin: germline.

Ambry Genetics
Classification: Likely benign. Last evaluated: 2020-07-01. Review status: criteria provided, single submitter. Criteria: Ambry Variant Classification Scheme 2023. Collection method: clinical testing. Allele origin: germline.

Illumina Laboratory Services, Illumina
Classification: Uncertain significance for Colorectal cancer, hereditary nonpolyposis, type 7. Last evaluated: 2017-04-27. Review status: criteria provided, single submitter. Criteria: ICSL Variant Classification Criteria 13 December 2019. Collection method: clinical testing. Allele origin: germline.
Comment: This variant was observed as part of a predisposition screen in an ostensibly healthy population. A literature search was performed for the gene, cDNA change, and amino acid change (where applicable). Publications were found based on this search. However, the evidence from the literature, in combination with allele frequency data from public databases where available, was not sufficient to rule this variant in or out of causing disease. Therefore, this variant is classified as a variant of unknown significance.

OMIM
Classification: Uncertain significance for RECLASSIFIED - VARIANT OF UNKNOWN SIGNIFICANCE. Last evaluated: 2009-04-01. Review status: no assertion criteria provided. Collection method: literature only. Allele origin: germline. Not counted in ClinVar's aggregate classification.

Mayo Clinic Laboratories, Mayo Clinic
Classification: Benign. Review status: no assertion criteria provided. Collection method: clinical testing. Allele origin: unknown. Not counted in ClinVar's aggregate classification.

Literature cited by the submitters: PubMed 12702580 (cited by 3 submitters); PubMed 19156873 (cited by 4 submitters); PubMed 18521850 (cited by 4 submitters); PubMed 11586295 (cited by Illumina Laboratory Services, Illumina and OMIM); PubMed 17656264 (cited by OMIM).